The following is an entry in ClinVar:

ClinVar aggregate classification (germline): Likely benign (1 of 4 stars; one submission).

Allele frequency attached by ClinVar (database versions not stated): gnomAD exomes below 0.00001.
gnomAD v4.1: 1 of 1,613,686 alleles (0.000062%); highest among the groups gnomAD compares: Non-Finnish European, 0.000085%; no homozygotes.

Submission:

CeGaT Center for Human Genetics Tuebingen
Classification: Likely benign. Last evaluated: 2022-12-01. Review status: criteria provided, single submitter. Criteria: CeGaT Center For Human Genetics Tuebingen Variant Classification Criteria Version 2. Collection method: clinical testing. Allele origin: germline. Affected: yes. Observed: 1 variant allele.
Comment: ZNF804A: PM2:Supporting, BP4, BP7

NM_194250.2(ZNF804A):c.1965A>G (p.Leu655=)

Gene: ZNF804A (zinc finger protein 804A; plus strand). Cytogenetic location: 2q32.1.
Variant type: single nucleotide variant.
Coding change: c.1965A>G on transcript NM_194250.2 (MANE Select); coding-DNA position 1965, A replaced by G.
Protein change: p.Leu655=; no amino-acid change (leucine 655 retained).
Molecular consequence: synonymous variant.
Genome position (GRCh38, 1-based): chr2:184,937,361, A>G. VCF-style: chr2-184937361-A-G. GRCh37 (hg19) VCF-style: chr2-185802088-A-G.
Identifiers: ClinVar variation 2651741 (VCV002651741.24), dbSNP rs1685809106, ClinGen allele CA430507195.